The following is an entry in ClinVar:

NM_001010898.4(SLC6A17):c.2139T>A (p.Tyr713Ter)

Gene: SLC6A17 (solute carrier family 6 member 17; plus strand). Cytogenetic location: 1p13.3.
Variant type: single nucleotide variant.
Coding change: c.2139T>A on transcript NM_001010898.4 (MANE Select); coding-DNA position 2139, T replaced by A.
Protein change: p.Tyr713Ter; replaces tyrosine 713 with a stop codon.
Molecular consequence: nonsense.
Genome position (GRCh38, 1-based): chr1:110,198,399, T>A. VCF-style: chr1-110198399-T-A. GRCh37 (hg19) VCF-style: chr1-110741021-T-A.
Other names: short protein forms Y713*.
Identifiers: ClinVar variation 2682285 (VCV002682285.1), dbSNP rs2524657480, ClinGen allele CA341586309.
Genomic context (GRCh38, chr1:110,198,399, plus strand): 5'-CTATCTGGGGCCCGGCAGCACATCACCCCTGGAGACCAGCGGTAACCCCAATGGACGCTA[T>A]GGGAGCGGCTACCTGCTGGCCAGCACCCCTGAGTCGGAGCTGTGACCACTGCCCAAGCCC-3'

ClinVar aggregate classification (germline): Uncertain significance (1 of 4 stars; one submission).

Submission:

Women's Health and Genetics/Laboratory Corporation of America, LabCorp
Classification: Uncertain significance. Last evaluated: 2023-11-28. Review status: criteria provided, single submitter. Criteria: LabCorp Variant Classification Summary - May 2015. Collection method: clinical testing. Allele origin: germline.
Comment: Variant summary: SLC6A17 c.2139T>A (p.Tyr713X) results in a premature termination codon, predicted to cause a truncation of the encoded protein. While this variant is not expected to result in nonsense mediated decay, it is predicted to disrupt the last 15 amino acids of the protein. Current evidence is not sufficient to establish loss-of-function variants in SLC6A17 as causative of disease. The variant was absent in 250530 control chromosomes (gnomAD). The available data on variant occurrences in the general population are insufficient to allow any conclusion about variant significance. To our knowledge, no occurrence of c.2139T>A in individuals affected with Progressive Essential Tremor-Speech Impairment-Facial Dysmorphism-Intellectual Disability-Abnormal Behavior Syndrome and no experimental evidence demonstrating its impact on protein function have been reported. No submitters have reported clinical-significance assessments for this variant to ClinVar after 2014. Based on the evidence outlined above, the variant was classified as uncertain significance.